The following is an entry in ClinVar:

ClinVar aggregate classification (germline): Uncertain significance (1 of 4 stars; one submission).

Allele frequency attached by ClinVar (database versions not stated): gnomAD 0.00001; gnomAD exomes 0.00001; TOPMed 0.00001; ExAC 0.00005.

Submission:

Labcorp Genetics (formerly Invitae), Labcorp
Classification: Uncertain significance. Last evaluated: 2022-10-17. Review status: criteria provided, single submitter. Criteria: Invitae Variant Classification Sherloc (09022015). Collection method: clinical testing. Allele origin: germline.
Comment: This sequence change replaces proline, which is neutral and non-polar, with serine, which is neutral and polar, at codon 660 of the PHF21A protein (p.Pro660Ser). This variant is present in population databases (rs769354151, gnomAD 0.03%). This variant has not been reported in the literature in individuals affected with PHF21A-related conditions. Advanced modeling of protein sequence and biophysical properties (such as structural, functional, and spatial information, amino acid conservation, physicochemical variation, residue mobility, and thermodynamic stability) performed at Invitae indicates that this missense variant is not expected to disrupt PHF21A protein function. In summary, the available evidence is currently insufficient to determine the role of this variant in disease. Therefore, it has been classified as a Variant of Uncertain Significance.

NM_001352027.3(PHF21A):c.1981C>T (p.Pro661Ser)

Gene: PHF21A (PHD finger protein 21A; minus strand). Cytogenetic location: 11p11.2.
Variant type: single nucleotide variant.
Coding change: c.1981C>T on transcript NM_001352027.3 (MANE Select); coding-DNA position 1981, C replaced by T.
Protein change: p.Pro661Ser; replaces proline 661 with serine.
Molecular consequence: missense variant. On other transcripts: non-coding transcript variant (2).
Genome position (GRCh38, 1-based): chr11:45,934,033, G>A on the plus strand (C>T on the coding strand, the complement: PHF21A is on the minus strand). VCF-style: chr11-45934033-G-A. GRCh37 (hg19) VCF-style: chr11-45955584-G-A.
Other names: c.1978C>T, p.Pro660Ser (NM_001101802.3); c.1981C>T, p.Pro661Ser (NM_001352025.3, NM_001352026.3); c.1840C>T, p.Pro614Ser (NM_001352028.1, NM_001352029.1, NM_016621.5); c.1837C>T, p.Pro613Ser (NM_001352030.3, NM_001352031.3, NM_001352032.3); short protein forms P614S, P660S, P613S, P661S.
Identifiers: ClinVar variation 1909066 (VCV001909066.5), dbSNP rs769354151, ClinGen allele CA5960911.